The following is an entry in ClinVar:

NM_001003722.2(GLE1):c.96del (p.Glu33fs)

Gene: GLE1 (GLE1 RNA export mediator; plus strand). Cytogenetic location: 9q34.11.
Variant type: Deletion.
Coding change: c.96del on transcript NM_001003722.2 (MANE Select); coding-DNA position 96, one base deleted (C; older notation c.96delC).
Protein change: p.Glu33fs; shifts the reading frame from glutamic acid 33.
Molecular consequence: frameshift variant.
Genome position (GRCh38, 1-based): chr9:128,504,901, C deleted. VCF-style (leftmost placement, unchanged base first): chr9-128504900-GC-G. GRCh37 (hg19) VCF-style: chr9-131267179-GC-G.
Other names: c.96del, p.Glu33fs (NM_001499.2); short protein forms E33fs.
Identifiers: ClinVar variation 1362319 (VCV001362319.6), dbSNP rs2132390446, ClinGen allele CA2573144158.

ClinVar aggregate classification (germline): Pathogenic (1 of 4 stars; one submission).

Allele frequency attached by ClinVar (database versions not stated): gnomAD exomes 0.00001.

Submission:

Labcorp Genetics (formerly Invitae), Labcorp
Classification: Pathogenic. Last evaluated: 2023-02-17. Review status: criteria provided, single submitter. Criteria: Invitae Variant Classification Sherloc (09022015). Collection method: clinical testing. Allele origin: germline.
Comment: This variant has not been reported in the literature in individuals affected with GLE1-related conditions. This variant is not present in population databases (gnomAD no frequency). This sequence change creates a premature translational stop signal (p.Glu33Argfs*4) in the GLE1 gene. It is expected to result in an absent or disrupted protein product. Loss-of-function variants in GLE1 are known to be pathogenic (PMID: 18204449, 24243016, 27684565). ClinVar contains an entry for this variant (Variation ID: 1362319). For these reasons, this variant has been classified as Pathogenic.

Literature cited by the submitters: PubMed 18204449; PubMed 24243016; PubMed 27684565.